The following is an entry in ClinVar:

NM_153682.3(PIGP):c.181T>C (p.Tyr61His)

Gene: PIGP (phosphatidylinositol glycan anchor biosynthesis class P; minus strand). Cytogenetic location: 21q22.13.
Variant type: single nucleotide variant.
Coding change: c.181T>C on transcript NM_153682.3 (MANE Select); coding-DNA position 181, T replaced by C.
Protein change: p.Tyr61His; replaces tyrosine 61 with histidine.
Molecular consequence: missense variant.
Genome position (GRCh38, 1-based): chr21:37,067,355, A>G on the plus strand (T>C on the coding strand, the complement: PIGP is on the minus strand). VCF-style: chr21-37067355-A-G. GRCh37 (hg19) VCF-style: chr21-38439655-A-G.
Other names: c.181T>C, p.Tyr61His (NM_001320480.2); c.103T>C, p.Tyr35His (NM_016430.4); c.253T>C, p.Tyr85His (NM_153681.2); short protein forms Y61H, Y85H, Y35H.
Identifiers: ClinVar variation 1504548 (VCV001504548.4), dbSNP rs778490710, ClinGen allele CA10021085.
Genomic context (GRCh38, chr21:37,067,355, plus strand): 5'-TACTCATCATGTTAATCCCAAACAAGAGCACGTAGCCAATTACTATAGCAATAAGGAGGT[A>G]GACAGGTAATGCAACTGCCCAATATCTGCCAAAGAGAATATTAAAGTACATAATAGACAC-3'
Protein context (NP_710149.1, residues 51-71): QKYWAVALPV[Tyr61His]LLIAIVIGYV

ClinVar aggregate classification (germline): Uncertain significance. Review status: criteria provided, multiple submitters, no conflicts (2 of 4 stars). 2 submissions from 2 submitters: Uncertain significance (2). Last evaluated 2025-08-11.

Conditions:
Inborn genetic diseases. Identifiers: MedGen C0950123, MeSH D030342.

Allele frequency attached by ClinVar (database versions not stated): gnomAD exomes below 0.00001; ExAC 0.00001; gnomAD 0.00001; TOPMed 0.00002.
gnomAD v4.1: 4 of 1,607,412 alleles (0.00025%); highest among the groups gnomAD compares: African/African-American, 0.0013%; no homozygotes.

Submissions (2):

Ambry Genetics
Classification: Uncertain significance for Inborn genetic diseases. Last evaluated: 2025-08-11. Review status: criteria provided, single submitter. Criteria: Ambry Variant Classification Scheme 2023. Collection method: clinical testing. Allele origin: germline.

Labcorp Genetics (formerly Invitae), Labcorp
Classification: Uncertain significance. Last evaluated: 2021-08-20. Review status: criteria provided, single submitter. Criteria: Invitae Variant Classification Sherloc (09022015). Collection method: clinical testing. Allele origin: germline.
Comment: This sequence change replaces tyrosine with histidine at codon 85 of the PIGP protein (p.Tyr85His). The tyrosine residue is highly conserved and there is a moderate physicochemical difference between tyrosine and histidine. This variant is present in population databases (rs778490710, ExAC 0.01%). This variant has not been reported in the literature in individuals affected with PIGP-related conditions. Algorithms developed to predict the effect of missense changes on protein structure and function are either unavailable or do not agree on the potential impact of this missense change (SIFT: "Deleterious"; PolyPhen-2: "Benign"; Align-GVGD: "Class C25"). In summary, the available evidence is currently insufficient to determine the role of this variant in disease. Therefore, it has been classified as a Variant of Uncertain Significance.